The following is an entry in ClinVar:

NM_006267.5(RANBP2):c.1633C>T (p.Pro545Ser)

Gene: RANBP2 (RAN binding protein 2; plus strand). Cytogenetic location: 2q13.
Variant type: single nucleotide variant.
Coding change: c.1633C>T on transcript NM_006267.5 (MANE Select); coding-DNA position 1633, C replaced by T.
Protein change: p.Pro545Ser; replaces proline 545 with serine.
Molecular consequence: missense variant.
Genome position (GRCh38, 1-based): chr2:108,751,872, C>T. VCF-style: chr2-108751872-C-T. GRCh37 (hg19) VCF-style: chr2-109368328-C-T.
Other names: c.1633C>T, p.Pro545Ser (NM_001415871.1, NM_001415873.1); c.1630C>T, p.Pro544Ser (NM_001415872.1); short protein forms P544S, P545S.
Identifiers: ClinVar variation 1950703 (VCV001950703.5), dbSNP rs773341637, ClinGen allele CA1822396.

ClinVar aggregate classification (germline): Uncertain significance (1 of 4 stars; one submission).

Conditions:
Familial acute necrotizing encephalopathy (IIAE3). Also called: Susceptibility to Acute Necrotizing Encephalopathy 1; ENCEPHALOPATHY, ACUTE, INFECTION-INDUCED, SUSCEPTIBILITY TO, 3. Identifiers: Orphanet 88619, MedGen C2675556, MONDO:0011953, OMIM 608033.

gnomAD v4.1: 3 of 1,611,874 alleles (0.00019%); highest among the groups gnomAD compares: South Asian, 0.0022%; no homozygotes.

Submission:

Labcorp Genetics (formerly Invitae), Labcorp
Classification: Uncertain significance for Familial acute necrotizing encephalopathy. Last evaluated: 2025-05-10. Review status: criteria provided, single submitter. Criteria: Invitae Variant Classification Sherloc (09022015). Collection method: clinical testing. Allele origin: germline.
Comment: This sequence change replaces proline, which is neutral and non-polar, with serine, which is neutral and polar, at codon 545 of the RANBP2 protein (p.Pro545Ser). This variant is present in population databases (rs773341637, gnomAD 0.006%). This variant has not been reported in the literature in individuals affected with RANBP2-related conditions. ClinVar contains an entry for this variant (Variation ID: 1950703). An algorithm developed to predict the effect of missense changes on protein structure and function outputs the following: PolyPhen-2: "Benign". The serine amino acid residue is found in multiple mammalian species, which suggests that this missense change does not adversely affect protein function. In summary, the available evidence is currently insufficient to determine the role of this variant in disease. Therefore, it has been classified as a Variant of Uncertain Significance.